The following is an entry in ClinVar:

NM_000264.5(PTCH1):c.3124G>C (p.Val1042Leu)

Gene: PTCH1 (patched 1; minus strand). Cytogenetic location: 9q22.32.
Variant type: single nucleotide variant.
Coding change: c.3124G>C on transcript NM_000264.5 (MANE Select); coding-DNA position 3124, G replaced by C.
Protein change: p.Val1042Leu; replaces valine 1042 with leucine.
Molecular consequence: missense variant. On other transcripts: non-coding transcript variant (1).
Genome position (GRCh38, 1-based): chr9:95,458,057, C>G on the plus strand (G>C on the coding strand, the complement: PTCH1 is on the minus strand). VCF-style: chr9-95458057-C-G. GRCh37 (hg19) VCF-style: chr9-98220339-C-G.
Other names: c.2968G>C, p.Val990Leu (NM_001354918.2); c.2926G>C, p.Val976Leu (NM_001083602.3); c.3121G>C, p.Val1041Leu (NM_001083603.3); c.2671G>C, p.Val891Leu (NM_001083604.3, NM_001083605.3, NM_001083606.3 and 1 more transcripts); short protein forms V990L, V891L, V1041L, V1042L, V976L.
Identifiers: ClinVar variation 3695183 (VCV003695183.2).

ClinVar aggregate classification (germline): Uncertain significance (1 of 4 stars; one submission).

Conditions:
Gorlin syndrome. Also called: Basal cell nevus syndrome; Nevoid Basal Cell Carcinoma Syndrome. Identifiers: Orphanet 377, MedGen C0004779, MONDO:0007187.

Submission:

Labcorp Genetics (formerly Invitae), Labcorp
Classification: Uncertain significance for Gorlin syndrome. Last evaluated: 2024-06-24. Review status: criteria provided, single submitter. Criteria: Invitae Variant Classification Sherloc (09022015). Collection method: clinical testing. Allele origin: germline.
Comment: This sequence change replaces valine, which is neutral and non-polar, with leucine, which is neutral and non-polar, at codon 1042 of the PTCH1 protein (p.Val1042Leu). This variant is not present in population databases (gnomAD no frequency). This variant has not been reported in the literature in individuals affected with PTCH1-related conditions. Advanced modeling of protein sequence and biophysical properties (such as structural, functional, and spatial information, amino acid conservation, physicochemical variation, residue mobility, and thermodynamic stability) performed at Invitae indicates that this missense variant is not expected to disrupt PTCH1 protein function with a negative predictive value of 95%. In summary, the available evidence is currently insufficient to determine the role of this variant in disease. Therefore, it has been classified as a Variant of Uncertain Significance.